The following is an entry in ClinVar:

ClinVar aggregate classification (germline): Uncertain significance. Review status: criteria provided, multiple submitters, no conflicts (2 of 4 stars). 2 submissions from 2 submitters: Uncertain significance (2). Last evaluated 2026-01-20.

Conditions:
Inborn genetic diseases. Identifiers: MedGen C0950123, MeSH D030342.
Early-infantile DEE. Also called: Early infantile epileptic encephalopathy with suppression bursts; Early infantile epileptic encephalopathy; Ohtahara syndrome. Identifiers: Orphanet 1934, MedGen C0393706, MONDO:0800491.

Submissions (2):

Ambry Genetics
Classification: Uncertain significance for Inborn genetic diseases. Last evaluated: 2026-01-20. Review status: criteria provided, single submitter. Criteria: Ambry Variant Classification Scheme 2023. Collection method: clinical testing. Allele origin: germline.
Comment: The c.4841T>C (p.L1614P) alteration is located in exon 25 (coding exon 25) of the SCN1A gene. This alteration results from a T to C substitution at nucleotide position 4841, causing the leucine (L) at amino acid position 1614 to be replaced by a proline (P). This variant was not reported in population-based cohorts in the Genome Aggregation Database (gnomAD). This amino acid position is highly conserved in available vertebrate species. This missense alteration is located in a region that has a low rate of benign missense variation (Lek, 2016; Firth, 2009). This alteration is predicted to be deleterious by in silico analysis. Based on insufficient or conflicting evidence, the clinical significance of this alteration remains unclear.

Labcorp Genetics (formerly Invitae), Labcorp
Classification: Uncertain significance for Early-infantile DEE. Last evaluated: 2024-11-05. Review status: criteria provided, single submitter. Criteria: Invitae Variant Classification Sherloc (09022015). Collection method: clinical testing. Allele origin: germline.
Comment: This sequence change replaces leucine, which is neutral and non-polar, with proline, which is neutral and non-polar, at codon 1614 of the SCN1A protein (p.Leu1614Pro). This variant is not present in population databases (gnomAD no frequency). This variant has not been reported in the literature in individuals affected with SCN1A-related conditions. Invitae Evidence Modeling of protein sequence and biophysical properties (such as structural, functional, and spatial information, amino acid conservation, physicochemical variation, residue mobility, and thermodynamic stability) indicates that this missense variant is expected to disrupt SCN1A protein function with a positive predictive value of 95%. In summary, the available evidence is currently insufficient to determine the role of this variant in disease. Therefore, it has been classified as a Variant of Uncertain Significance.

Literature cited by the submitters: PubMed 37264783 (cited by Ambry Genetics); PubMed 39707911 (cited by Ambry Genetics).

NM_001165963.4(SCN1A):c.4841T>C (p.Leu1614Pro)

Genes: SCN1A (sodium voltage-gated channel alpha subunit 1; minus strand), LOC102724058 (uncharacterized LOC102724058; plus strand). Cytogenetic location: 2q24.3.
Variant type: single nucleotide variant.
Coding change: c.4841T>C on transcript NM_001165963.4 (MANE Select); coding-DNA position 4841, T replaced by C.
Protein change: p.Leu1614Pro; replaces leucine 1614 with proline.
Molecular consequence: missense variant. On other transcripts: non-coding transcript variant (1).
Genome position (GRCh38, 1-based): chr2:165,994,157, A>G on the plus strand (T>C on the coding strand, the complement: SCN1A is on the minus strand). VCF-style: chr2-165994157-A-G. GRCh37 (hg19) VCF-style: chr2-166850667-A-G.
Other names: c.4757T>C, p.Leu1586Pro (NM_001165964.3, NM_001353957.2, NM_001353958.2); c.4841T>C, p.Leu1614Pro (NM_001202435.3, NM_001353948.2); c.4808T>C, p.Leu1603Pro (NM_001353949.2, NM_006920.6, NM_001353950.2 and 2 more transcripts); c.4805T>C, p.Leu1602Pro (NM_001353954.2, NM_001353955.2); c.4754T>C, p.Leu1585Pro (NM_001353960.2); c.2399T>C, p.Leu800Pro (NM_001353961.2); c.4841T>C (NM_001165963.1); short protein forms L1585P, L1586P, L1602P, L1603P, L1614P, L800P.
Identifiers: ClinVar variation 3610096 (VCV003610096.3).
Genomic context (GRCh38, chr2:165,994,157, plus strand): 5'-AGCTTTCACTTTTATTTAACTGAATTTAAGAACTTTAAATATTTCTTACCTACAATGGAG[A>G]GAATGACAACCACAAAATCAAAAATATTCCATCCAATGGTAAAATAATAATGGCGTAGAG-3'
Protein context (NP_001159435.1, residues 1604-1624): WNIFDFVVVI[Leu1614Pro]SIVGMFLAEL